The following is an entry in ClinVar:

NM_000170.3(GLDC):c.1370A>G (p.Gln457Arg)

Gene: GLDC (glycine decarboxylase; minus strand). Cytogenetic location: 9p24.1.
Variant type: single nucleotide variant.
Coding change: c.1370A>G on transcript NM_000170.3 (MANE Select); coding-DNA position 1370, A replaced by G.
Protein change: p.Gln457Arg; replaces glutamine 457 with arginine.
Molecular consequence: missense variant.
Genome position (GRCh38, 1-based): chr9:6,592,882, T>C on the plus strand (A>G on the coding strand, the complement: GLDC is on the minus strand). VCF-style: chr9-6592882-T-C. GRCh37 (hg19) VCF-style: chr9-6592882-T-C.
Other names: short protein forms Q457R.
Identifiers: ClinVar variation 2122174 (VCV002122174.4), dbSNP rs2489085153, ClinGen allele CA372893960.

ClinVar aggregate classification (germline): Uncertain significance (1 of 4 stars; one submission).

Conditions:
Glycine encephalopathy. Also called: Non-ketotic hyperglycinemia; Nonketotic hyperglycinemia. Identifiers: Orphanet 407, MedGen C0751748, MONDO:0011612, HP:0008288.

Submission:

Labcorp Genetics (formerly Invitae), Labcorp
Classification: Uncertain significance for Glycine encephalopathy. Last evaluated: 2022-04-06. Review status: criteria provided, single submitter. Criteria: Invitae Variant Classification Sherloc (09022015). Collection method: clinical testing. Allele origin: germline.
Comment: This variant has not been reported in the literature in individuals affected with GLDC-related conditions. This variant is not present in population databases (gnomAD no frequency). This sequence change replaces glutamine, which is neutral and polar, with arginine, which is basic and polar, at codon 457 of the GLDC protein (p.Gln457Arg). Advanced modeling of protein sequence and biophysical properties (such as structural, functional, and spatial information, amino acid conservation, physicochemical variation, residue mobility, and thermodynamic stability) performed at Invitae indicates that this missense variant is not expected to disrupt GLDC protein function. In summary, the available evidence is currently insufficient to determine the role of this variant in disease. Therefore, it has been classified as a Variant of Uncertain Significance.